The following is an entry in ClinVar:

ClinVar aggregate classification (germline): Uncertain significance (1 of 4 stars; one submission).

Conditions:
Inborn genetic diseases. Identifiers: MedGen C0950123, MeSH D030342.

Allele frequency attached by ClinVar (database versions not stated): gnomAD exomes below 0.00001; TOPMed below 0.00001.
gnomAD v4.1: 2 of 1,613,848 alleles (0.00012%); highest among the groups gnomAD compares: Admixed American, 0.0033%; no homozygotes.

Submission:

Ambry Genetics
Classification: Uncertain significance for Inborn genetic diseases. Last evaluated: 2025-02-08. Review status: criteria provided, single submitter. Criteria: Ambry Variant Classification Scheme 2023. Collection method: clinical testing. Allele origin: germline.
Comment: The p.V337I variant (also known as c.1009G>A), located in coding exon 8 of the KDM1A gene, results from a G to A substitution at nucleotide position 1009. The valine at codon 337 is replaced by isoleucine, an amino acid with highly similar properties. This amino acid position is conserved. In addition, the in silico prediction for this alteration is inconclusive. Based on the available evidence, the clinical significance of this variant remains unclear.

NM_001009999.3(KDM1A):c.1009G>A (p.Val337Ile)

Gene: KDM1A (lysine demethylase 1A; plus strand). Cytogenetic location: 1p36.12.
Variant type: single nucleotide variant.
Coding change: c.1009G>A on transcript NM_001009999.3 (MANE Select); coding-DNA position 1009, G replaced by A.
Protein change: p.Val337Ile; replaces valine 337 with isoleucine.
Molecular consequence: missense variant.
Genome position (GRCh38, 1-based): chr1:23,057,502, G>A. VCF-style: chr1-23057502-G-A. GRCh37 (hg19) VCF-style: chr1-23383995-G-A.
Other names: c.949G>A, p.Val317Ile (NM_001363654.2, NM_001410763.1, NM_015013.4); c.1009G>A, p.Val337Ile (NM_001410762.1); short protein forms V337I, V317I.
Identifiers: ClinVar variation 2282922 (VCV002282922.3), dbSNP rs1415695856, ClinGen allele CA338963555.